The following is an entry in ClinVar:

ClinVar aggregate classification (germline): Likely benign. Review status: criteria provided, multiple submitters, no conflicts (2 of 4 stars). 4 submissions from 4 submitters: Likely benign (3). 1 of the submissions does not count toward it. Last evaluated 2025-06-11.

Conditions:
Hereditary breast ovarian cancer syndrome. Also called: Hereditary breast and ovarian cancer syndrome; Breast and ovarian cancer; Hereditary breast and ovarian cancer syndrome (HBOC); Hereditary breast and/or ovarian cancer syndrome; BRCA1- and BRCA2-Associated Hereditary Breast and Ovarian Cancer; Hereditary breast and ovarian cancer. Identifiers: Orphanet 145, MedGen C0677776, MeSH D061325, MONDO:0003582. Disease mechanism: loss of function.
Hereditary cancer-predisposing syndrome. Also called: Neoplastic Syndromes, Hereditary; Hereditary neoplastic syndrome; Hereditary Cancer Syndrome; Tumor predisposition. Identifiers: Orphanet 140162, MedGen C0027672, MeSH D009386, MONDO:0015356.

Allele frequency attached by ClinVar (database versions not stated): gnomAD exomes 0.00001.
gnomAD v4.1: 3 of 1,611,148 alleles (0.00019%); highest among the groups gnomAD compares: Non-Finnish European, 0.00025%; no homozygotes.

Submissions (5):

Labcorp Genetics (formerly Invitae), Labcorp
Classification: Likely benign for Hereditary breast ovarian cancer syndrome. Last evaluated: 2025-06-11. Review status: criteria provided, single submitter. Criteria: Invitae Variant Classification Sherloc (09022015). Collection method: clinical testing. Allele origin: germline.

Color Diagnostics, LLC DBA Color Health
Classification: Likely benign for Hereditary cancer-predisposing syndrome. Last evaluated: 2018-02-07. Review status: criteria provided, single submitter. Criteria: ACMG Guidelines, 2015. Collection method: clinical testing. Allele origin: germline.

GeneDx
Classification: Likely benign. Last evaluated: 2016-03-02. Review status: criteria provided, single submitter. Criteria: GeneDx Variant Classification (06012015). Collection method: clinical testing. Allele origin: germline. Affected: yes.
Comment: This variant is considered likely benign or benign based on one or more of the following criteria: it is a conservative change, it occurs at a poorly conserved position in the protein, it is predicted to be benign by multiple in silico algorithms, and/or has population frequency not consistent with disease.

Brotman Baty Institute, University of Washington
No classification provided (evidence only). Condition: Breast-ovarian cancer, familial 1. Review status: no classification provided. Collection method: in vitro. Allele origin: not applicable. Functional consequence: functionally_normal. Not counted in ClinVar's aggregate classification.
ClinVar note: "not provided" was previously submitted as the classification for the variant. However, the classification appeared to be based only on an observation of functional data so it was converted to no classification on 2025-07-30.

Department of Pathology and Laboratory Medicine, Sinai Health System
Classification: Uncertain significance. Review status: no assertion criteria provided. Collection method: clinical testing. Allele origin: unknown. Affected: yes. Observed: 2 variant alleles. Study: The Canadian Open Genetics Repository (COGR). Not counted in ClinVar's aggregate classification.

NM_007294.4(BRCA1):c.5332+20C>A

Gene: BRCA1 (BRCA1 DNA repair associated; minus strand). Cytogenetic location: 17q21.31.
Variant type: single nucleotide variant.
Coding change: c.5332+20C>A on transcript NM_007294.4 (MANE Select); 20 bases into the intron after coding-DNA position 5332, C replaced by A.
Molecular consequence: intron variant.
Genome position (GRCh38, 1-based): chr17:43,051,043, G>T on the plus strand (C>A on the coding strand, the complement: BRCA1 is on the minus strand). VCF-style: chr17-43051043-G-T. GRCh37 (hg19) VCF-style: chr17-41203060-G-T.
Other names: c.5251+20C>A (NM_001407657.1, NM_001407658.1, NM_001407656.1); c.5254+20C>A (NM_001407654.1, NM_001407652.1, NM_001407653.1 and 1 more transcripts); c.1681+20C>A (NM_001408509.1); c.1684+20C>A (NM_001408508.1); c.1810+20C>A (NM_001408491.1, NM_001408481.1, NM_001408490.1 and 5 more transcripts); c.5116+20C>A (NM_001407918.1, NM_001407915.1, NM_001407916.1 and 1 more transcripts); c.5119+20C>A (NM_001407894.1, NM_001407909.1, NM_001407906.1 and 12 more transcripts); c.4993+20C>A (NM_001407957.1, NM_001407958.1, NM_001407956.1); and 74 more.
Identifiers: ClinVar variation 384462 (VCV000384462.15), dbSNP rs1057521961, ClinGen allele CA16607655.
Genomic context (GRCh38, chr17:43,051,043, plus strand): 5'-TCGTGGGATCTTGCTTATAATACTCCACTATGTAAGACAAAGGCTGGTGCTGGAACTCTG[G>T]GGTTCTCCCAGGCTCTTACCTGTGGGCATGTTGGTGAAGGGCCCATAGCAACAGATTTCT-3'